The following is an entry in ClinVar:

ClinVar aggregate classification (germline): Uncertain significance (1 of 4 stars; one submission).

Conditions:
Imerslund-Grasbeck syndrome. Also called: Megaloblastic anemia due to inborn errors of metabolism; ENTEROCYTE COBALAMIN MALABSORPTION; ENTEROCYTE INTRINSIC FACTOR RECEPTOR, DEFECT OF; Imerslund-Gräsbeck syndrome; PERNICIOUS ANEMIA, JUVENILE, DUE TO SELECTIVE INTESTINAL MALABSORPTION OF VITAMIN B12, WITH PROTEINURIA. Identifiers: Orphanet 35858, MedGen C4551825, MONDO:0009853.

Allele frequency attached by ClinVar (database versions not stated): ExAC 0.00001.
gnomAD v4.1: 9 of 1,614,036 alleles (0.00056%); highest among the groups gnomAD compares: Non-Finnish European, 0.00076%; no homozygotes.

Submission:

Labcorp Genetics (formerly Invitae), Labcorp
Classification: Uncertain significance for Imerslund-Grasbeck syndrome. Last evaluated: 2023-11-06. Review status: criteria provided, single submitter. Criteria: Invitae Variant Classification Sherloc (09022015). Collection method: clinical testing. Allele origin: germline.
Comment: This sequence change replaces threonine, which is neutral and polar, with serine, which is neutral and polar, at codon 1841 of the CUBN protein (p.Thr1841Ser). This variant is present in population databases (rs780087832, gnomAD 0.0009%). This variant has not been reported in the literature in individuals affected with CUBN-related conditions. Advanced modeling of protein sequence and biophysical properties (such as structural, functional, and spatial information, amino acid conservation, physicochemical variation, residue mobility, and thermodynamic stability) performed at Invitae indicates that this missense variant is not expected to disrupt CUBN protein function with a negative predictive value of 80%. In summary, the available evidence is currently insufficient to determine the role of this variant in disease. Therefore, it has been classified as a Variant of Uncertain Significance.

NM_001081.4(CUBN):c.5521A>T (p.Thr1841Ser)

Gene: CUBN (cubilin; minus strand). Cytogenetic location: 10p13.
Variant type: single nucleotide variant.
Coding change: c.5521A>T on transcript NM_001081.4 (MANE Select); coding-DNA position 5521, A replaced by T.
Protein change: p.Thr1841Ser; replaces threonine 1841 with serine.
Molecular consequence: missense variant.
Genome position (GRCh38, 1-based): chr10:16,940,059, T>A on the plus strand (A>T on the coding strand, the complement: CUBN is on the minus strand). VCF-style: chr10-16940059-T-A. GRCh37 (hg19) VCF-style: chr10-16982058-T-A.
Other names: short protein forms T1841S.
Identifiers: ClinVar variation 2891936 (VCV002891936.3), dbSNP rs780087832, ClinGen allele CA5423989.